The following is an entry in ClinVar:

ClinVar aggregate classification (germline): Uncertain significance. Review status: criteria provided, multiple submitters, no conflicts (2 of 4 stars). 2 submissions from 2 submitters: Uncertain significance (2). Last evaluated 2023-11-02.

Conditions:
Malignant hyperthermia, susceptibility to, 1 (MHS1). Also called: Anesthesia related hyperthermia; Malignant hyperpyrexia; Fulminating hyperpyrexia; Pharmacogenic myopathy; RYR1-Related Malignant Hyperthermia Susceptibility; Malignant hyperthermia suceptibility 1. Identifiers: Orphanet 423, MedGen C2930980, MONDO:0007783, OMIM 145600.

Allele frequency attached by ClinVar (database versions not stated): gnomAD 0.00001; TOPMed 0.00001.
gnomAD v4.1: 2 of 1,613,772 alleles (0.00012%); highest among the groups gnomAD compares: Non-Finnish European, 0.00017%; no homozygotes.

Submissions (2):

All of Us Research Program, National Institutes of Health
Classification: Uncertain significance for Malignant hyperthermia, susceptibility to, 1. Last evaluated: 2023-11-02. Review status: criteria provided, single submitter. Criteria: ACMG Guidelines, 2015. Collection method: clinical testing. Allele origin: germline. Inheritance: Autosomal dominant inheritance. Observed: 1 variant allele, 1 heterozygote.
Comment: This missense variant replaces valine with alanine at codon 665 of the RYR1 protein. Computational prediction is inconclusive regarding the impact of this variant on protein structure and function (internally defined REVEL score threshold 0.5 < inconclusive < 0.7, PMID: 27666373). To our knowledge, functional studies have not been reported for this variant. This variant has not been reported in individuals affected with RYR1-related disorders in the literature. This variant has not been identified in the general population by the Genome Aggregation Database (gnomAD). The available evidence is insufficient to determine the role of this variant in disease conclusively. Therefore, this variant is classified as a Variant of Uncertain Significance.

This study involves interpretation of variants in research participants for the purpose of population health screening. Participant phenotype was not available at the time of variant classification. Additional details can be found in publication PMID: 35346344, PMCID: PMC8962531

Color Diagnostics, LLC DBA Color Health
Classification: Uncertain significance for Malignant hyperthermia, susceptibility to, 1. Last evaluated: 2023-10-18. Review status: criteria provided, single submitter. Criteria: ACMG Guidelines, 2015. Collection method: clinical testing. Allele origin: germline.
Comment: This missense variant replaces valine with alanine at codon 665 of the RYR1 protein. Computational prediction is inconclusive regarding the impact of this variant on protein structure and function. To our knowledge, functional studies have not been reported for this variant. This variant has not been reported in individuals affected with RYR1-related disorders in the literature. This variant has not been identified in the general population by the Genome Aggregation Database (gnomAD). The available evidence is insufficient to determine the role of this variant in disease conclusively. Therefore, this variant is classified as a Variant of Uncertain Significance.

NM_000540.3(RYR1):c.1994T>C (p.Val665Ala)

Gene: RYR1 (ryanodine receptor 1; plus strand). Cytogenetic location: 19q13.2.
Variant type: single nucleotide variant.
Coding change: c.1994T>C on transcript NM_000540.3 (MANE Select); coding-DNA position 1994, T replaced by C.
Protein change: p.Val665Ala; replaces valine 665 with alanine.
Molecular consequence: missense variant.
Genome position (GRCh38, 1-based): chr19:38,458,119, T>C. VCF-style: chr19-38458119-T-C. GRCh37 (hg19) VCF-style: chr19-38948759-T-C.
Other names: c.1994T>C, p.Val665Ala (NM_001042723.2); short protein forms V665A.
Identifiers: ClinVar variation 3074228 (VCV003074228.2), dbSNP rs1447002274, ClinGen allele CA405695879.